The following is an entry in ClinVar:

NM_000083.3(CLCN1):c.859C>A (p.Leu287Ile)

Gene: CLCN1 (chloride voltage-gated channel 1; plus strand). Cytogenetic location: 7q34.
Variant type: single nucleotide variant.
Coding change: c.859C>A on transcript NM_000083.3 (MANE Select); coding-DNA position 859, C replaced by A.
Protein change: p.Leu287Ile; replaces leucine 287 with isoleucine.
Molecular consequence: missense variant. On other transcripts: non-coding transcript variant (1).
Genome position (GRCh38, 1-based): chr7:143,330,777, C>A. VCF-style: chr7-143330777-C-A. GRCh37 (hg19) VCF-style: chr7-143027870-C-A.
Other names: short protein forms L287I.
Identifiers: ClinVar variation 2925422 (VCV002925422.3), dbSNP rs1802699644, ClinGen allele CA369641496.

ClinVar aggregate classification (germline): Likely pathogenic (1 of 4 stars; one submission).

Conditions:
Congenital myotonia, autosomal dominant form (THD). Also called: THOMSEN DISEASE; Myotonia congenita autosomal dominant. Identifiers: Orphanet 614, MedGen C2936781, MONDO:0008055, OMIM 160800.
Congenital myotonia, autosomal recessive form. Also called: BECKER DISEASE; Becker Generalized Myotonia; myotonia congenita, autosomal recessive. Identifiers: Orphanet 614, MedGen C0751360, MONDO:0009715, OMIM 255700.

Allele frequency attached by ClinVar (database versions not stated): TOPMed below 0.00001.

Submission:

Labcorp Genetics (formerly Invitae), Labcorp
Classification: Likely pathogenic for Congenital myotonia, autosomal recessive form; Congenital myotonia, autosomal dominant form. Last evaluated: 2024-10-24. Review status: criteria provided, single submitter. Criteria: Invitae Variant Classification Sherloc (09022015). Collection method: clinical testing. Allele origin: germline.
Comment: This sequence change replaces leucine, which is neutral and non-polar, with isoleucine, which is neutral and non-polar, at codon 287 of the CLCN1 protein (p.Leu287Ile). This variant is not present in population databases (gnomAD no frequency). This missense change has been observed in individual(s) with myotonia congenita (PMID: 20399394). Invitae Evidence Modeling of protein sequence and biophysical properties (such as structural, functional, and spatial information, amino acid conservation, physicochemical variation, residue mobility, and thermodynamic stability) indicates that this missense variant is expected to disrupt CLCN1 protein function with a positive predictive value of 95%. This variant disrupts the p.Leu287 amino acid residue in CLCN1. Other variant(s) that disrupt this residue have been determined to be pathogenic (internal data). This suggests that this residue is clinically significant, and that variants that disrupt this residue are likely to be disease-causing. In summary, the currently available evidence indicates that the variant is pathogenic, but additional data are needed to prove that conclusively. Therefore, this variant has been classified as Likely Pathogenic.

Literature cited by the submitters: PubMed 20399394.